The following is an entry in ClinVar:

ClinVar aggregate classification (germline): Pathogenic (1 of 4 stars; one submission).

Conditions:
Hereditary insensitivity to pain with anhidrosis (CIPA). Also called: INSENSITIVITY TO PAIN, CONGENITAL, WITH ANHIDROSIS; hereditary sensory and autonomic neuropathy type 4; HSAN Type IV; NTRK1 Congenital Insensitivity to Pain with Anhidrosis; FAMILIAL DYSAUTONOMIA, TYPE II; NEUROPATHY, CONGENITAL SENSORY, WITH ANHIDROSIS. Identifiers: Orphanet 642, MedGen C0020074, MONDO:0009746, OMIM 256800.

Submission:

Labcorp Genetics (formerly Invitae), Labcorp
Classification: Pathogenic for Hereditary insensitivity to pain with anhidrosis. Last evaluated: 2022-10-17. Review status: criteria provided, single submitter. Criteria: Invitae Variant Classification Sherloc (09022015). Collection method: clinical testing. Allele origin: germline.
Comment: For these reasons, this variant has been classified as Pathogenic. This variant disrupts a region of the NTRK1 protein in which other variant(s) (p.Arg755Trp) have been determined to be pathogenic (PMID: 11668614, 16373086, 19651702, 28192073). This suggests that this is a clinically significant region of the protein, and that variants that disrupt it are likely to be disease-causing. This variant has not been reported in the literature in individuals affected with NTRK1-related conditions. This variant is not present in population databases (gnomAD no frequency). This sequence change creates a premature translational stop signal (p.Glu739*) in the NTRK1 gene. While this is not anticipated to result in nonsense mediated decay, it is expected to disrupt the last 52 amino acid(s) of the NTRK1 protein.

Literature cited by the submitters: PubMed 11668614; PubMed 16373086; PubMed 19651702; PubMed 28192073.

NM_002529.4(NTRK1):c.2233G>T (p.Glu745Ter)

Gene: NTRK1 (neurotrophic receptor tyrosine kinase 1; plus strand). Cytogenetic location: 1q23.1.
Variant type: single nucleotide variant.
Coding change: c.2233G>T on transcript NM_002529.4 (MANE Select); coding-DNA position 2233, G replaced by T.
Protein change: p.Glu745Ter; replaces glutamic acid 745 with a stop codon.
Molecular consequence: nonsense.
Genome position (GRCh38, 1-based): chr1:156,881,484, G>T. VCF-style: chr1-156881484-G-T. GRCh37 (hg19) VCF-style: chr1-156851276-G-T.
Other names: c.2233G>T, p.Glu745Ter (NM_001007204.1); c.2125G>T, p.Glu709Ter (NM_001007792.1); c.2215G>T, p.Glu739Ter (NM_001012331.2); short protein forms E739*, E745*, E709*.
Identifiers: ClinVar variation 1969209 (VCV001969209.5), dbSNP rs2102930678, ClinGen allele CA342941410.